The following is an entry in ClinVar:

NM_015335.5(MED13L):c.2014C>T (p.Leu672Phe)

Gene: MED13L (mediator complex subunit 13L; minus strand). Cytogenetic location: 12q24.21.
Variant type: single nucleotide variant.
Coding change: c.2014C>T on transcript NM_015335.5 (MANE Select); coding-DNA position 2014, C replaced by T.
Protein change: p.Leu672Phe; replaces leucine 672 with phenylalanine.
Molecular consequence: missense variant.
Genome position (GRCh38, 1-based): chr12:116,007,635, G>A on the plus strand (C>T on the coding strand, the complement: MED13L is on the minus strand). VCF-style: chr12-116007635-G-A. GRCh37 (hg19) VCF-style: chr12-116445440-G-A.
Other names: short protein forms L672F.
Identifiers: ClinVar variation 963897 (VCV000963897.10), dbSNP rs753868437, ClinGen allele CA6811267.
Genomic context (GRCh38, chr12:116,007,635, plus strand): 5'-GCTGCAACTGGGGCTGTTTGTCTTGCCAGATTTTAAACCGTTTGTTAGGTTGTGCTAAGA[G>A]TCTAAAAGACAAAAAAAAAAAAAAAAAAAAGAGCATTTATGCCTTAAAGCATTTACAAAG-3'
Protein context (NP_056150.1, residues 662-682): VNSESTALQR[Leu672Phe]LAQPNKRFKI

ClinVar aggregate classification (germline): Uncertain significance (1 of 4 stars; one submission).

Conditions:
Dextro-looped transposition of the great arteries. Also called: Dextrotransposition of the great arteries. Identifiers: Orphanet 860, MedGen C3531771, MONDO:0019443, OMIM 608808, HP:0031348.

Allele frequency attached by ClinVar (database versions not stated): gnomAD exomes below 0.00001 and 0.00001; ExAC 0.00001.

Submission:

Labcorp Genetics (formerly Invitae), Labcorp
Classification: Uncertain significance for Dextro-looped transposition of the great arteries. Last evaluated: 2019-08-14. Review status: criteria provided, single submitter. Criteria: Invitae Variant Classification Sherloc (09022015). Collection method: clinical testing. Allele origin: germline.
Comment: In summary, the available evidence is currently insufficient to determine the role of this variant in disease. Therefore, it has been classified as a Variant of Uncertain Significance. This variant has not been reported in the literature in individuals with MED13L-related conditions. This variant is present in population databases (rs753868437, ExAC 0.002%). This sequence change replaces leucine with phenylalanine at codon 672 of the MED13L protein (p.Leu672Phe). The leucine residue is highly conserved and there is a small physicochemical difference between leucine and phenylalanine.